The following is an entry in ClinVar:

ClinVar aggregate classification (germline): Pathogenic/Likely pathogenic. Review status: criteria provided, multiple submitters, no conflicts (2 of 4 stars). 2 submissions from 2 submitters: Pathogenic (1); Likely pathogenic (1). Last evaluated 2026-06-17.

Conditions:
Monogenic hearing loss.

Submissions (2):

Genetics Laboratory, Great Ormond Street Hospital NHS Foundation Trust, North Thames Genomic Laboratory Hub
Classification: Pathogenic for Monogenic hearing loss. Last evaluated: 2026-06-17. Review status: criteria provided, single submitter. Criteria: ACGS Best Practice Guidelines for Variant Classification in Rare Disease 2024 v1.2. Collection method: clinical testing. Allele origin: germline. Affected: yes.
Comment: PM2_moderate, PVS1_very-strong, PP4_supporting

Labcorp Genetics (formerly Invitae), Labcorp
Classification: Likely pathogenic. Last evaluated: 2024-01-11. Review status: criteria provided, single submitter. Criteria: Invitae Variant Classification Sherloc (09022015). Collection method: clinical testing. Allele origin: germline.
Comment: This sequence change affects an acceptor splice site in intron 2 of the PAX3 gene. It is expected to disrupt RNA splicing. Variants that disrupt the donor or acceptor splice site typically lead to a loss of protein function (PMID: 16199547), and loss-of-function variants in PAX3 are known to be pathogenic (PMID: 20127975, 23512835). This variant is not present in population databases (gnomAD no frequency). Disruption of this splice site has been observed in individual(s) with Waardenburg syndrome (Invitae). Algorithms developed to predict the effect of sequence changes on RNA splicing suggest that this variant may disrupt the consensus splice site. In summary, the currently available evidence indicates that the variant is pathogenic, but additional data are needed to prove that conclusively. Therefore, this variant has been classified as Likely Pathogenic.

Literature cited by the submitters: PubMed 16199547 (cited by Labcorp Genetics (formerly Invitae), Labcorp); PubMed 20127975 (cited by Labcorp Genetics (formerly Invitae), Labcorp); PubMed 23512835 (cited by Labcorp Genetics (formerly Invitae), Labcorp).

NM_181458.4(PAX3):c.322-2A>G

Gene: PAX3 (paired box 3; minus strand). Cytogenetic location: 2q36.1.
Variant type: single nucleotide variant.
Coding change: c.322-2A>G on transcript NM_181458.4 (MANE Select); the canonical splice acceptor site of the intron before coding-DNA position 322, A replaced by G.
Molecular consequence: splice acceptor variant. On other transcripts: intron variant (1).
Genome position (GRCh38, 1-based): chr2:222,295,659, T>C on the plus strand (A>G on the coding strand, the complement: PAX3 is on the minus strand). VCF-style: chr2-222295659-T-C. GRCh37 (hg19) VCF-style: chr2-223160378-T-C.
Other names: c.322-5A>G (NM_001127366.3); c.322-2A>G (NM_181460.4, NM_181461.4, NM_181459.4 and 3 more transcripts).
Identifiers: ClinVar variation 2708857 (VCV002708857.4), dbSNP rs2469479413, ClinGen allele CA351113336.
Genomic context (GRCh38, chr2:222,295,659, plus strand): 5'-CCCGGGTTCTCTCTTTTGTATTCCTCAATTTTCTTCTCCACGTCAGGCGTTGTCACCTGC[T>C]TTAAGAGAACAGGCGGGCAGGCGTTGGTACCCGGTACCCTGGGCCAGGTGGCGGCGGCCC-3'